The following is an entry in ClinVar:

NC_000005.9:g.(?_89910632)_(89933785_?)del

Gene: ADGRV1 (adhesion G protein-coupled receptor V1; plus strand). Cytogenetic location: 5q14.3.
Variant type: Deletion.
Identifiers: ClinVar variation 3246542 (VCV003246542.1).

ClinVar aggregate classification (germline): Pathogenic (1 of 4 stars; one submission).

Submission:

Labcorp Genetics (formerly Invitae), Labcorp
Classification: Pathogenic. Last evaluated: 2023-03-29. Review status: criteria provided, single submitter. Criteria: Invitae Variant Classification Sherloc (09022015). Collection method: clinical testing. Allele origin: unknown.
Comment: For these reasons, this variant has been classified as Pathogenic. This variant has not been reported in the literature in individuals affected with ADGRV1-related conditions. This variant is a gross deletion of the genomic region encompassing exon(s) 2-11 of the ADGRV1 gene. This deletion is out-of-frame, and is expected to create a premature termination codon and result in an absent or disrupted protein product. Loss-of-function variants in ADGRV1 are known to be pathogenic (PMID: 19357117, 22135276, 22147658, 26226137, 30718709, 31047384, 32467589).

Literature cited by the submitters: PubMed 19357117; PubMed 22135276; PubMed 22147658; PubMed 26226137; PubMed 30718709; PubMed 31047384; PubMed 32467589.